The following is an entry in ClinVar:

ClinVar aggregate classification (germline): Uncertain significance (1 of 4 stars; one submission).

Conditions:
Early-infantile DEE. Also called: Early infantile epileptic encephalopathy with suppression bursts; Early infantile epileptic encephalopathy; Ohtahara syndrome. Identifiers: Orphanet 1934, MedGen C0393706, MONDO:0800491.

Submission:

Labcorp Genetics (formerly Invitae), Labcorp
Classification: Uncertain significance for Early-infantile DEE. Last evaluated: 2025-10-02. Review status: criteria provided, single submitter. Criteria: Invitae Variant Classification Sherloc (09022015). Collection method: clinical testing. Allele origin: germline.
Comment: This sequence change replaces asparagine, which is neutral and polar, with histidine, which is basic and polar, at codon 706 of the SCN8A protein (p.Asn706His). This variant is not present in population databases (gnomAD no frequency). This variant has not been reported in the literature in individuals affected with SCN8A-related conditions. Invitae Evidence Modeling of protein sequence and biophysical properties (such as structural, functional, and spatial information, amino acid conservation, physicochemical variation, residue mobility, and thermodynamic stability) has been performed for this missense variant. However, the output from this modeling did not meet the statistical confidence thresholds required to predict the impact of this variant on SCN8A protein function. In summary, the available evidence is currently insufficient to determine the role of this variant in disease. Therefore, it has been classified as a Variant of Uncertain Significance.

NM_001330260.2(SCN8A):c.2116A>C (p.Asn706His)

Gene: SCN8A (sodium voltage-gated channel alpha subunit 8; plus strand). Cytogenetic location: 12q13.13.
Variant type: single nucleotide variant.
Coding change: c.2116A>C on transcript NM_001330260.2 (MANE Select); coding-DNA position 2116, A replaced by C.
Protein change: p.Asn706His; replaces asparagine 706 with histidine.
Molecular consequence: missense variant.
Genome position (GRCh38, 1-based): chr12:51,746,020, A>C. VCF-style: chr12-51746020-A-C. GRCh37 (hg19) VCF-style: chr12-52139804-A-C.
Other names: c.2116A>C, p.Asn706His (NM_001177984.3, NM_001369788.1, NM_014191.4); short protein forms N706H.
Identifiers: ClinVar variation 4801277 (VCV004801277.1).